The following is an entry in ClinVar:

NM_000059.4(BRCA2):c.9141G>C (p.Gln3047His)

Gene: BRCA2 (BRCA2 DNA repair associated; plus strand). Cytogenetic location: 13q13.1.
Variant type: single nucleotide variant.
Coding change: c.9141G>C on transcript NM_000059.4 (MANE Select); coding-DNA position 9141, G replaced by C.
Protein change: p.Gln3047His; replaces glutamine 3047 with histidine.
Molecular consequence: missense variant.
Genome position (GRCh38, 1-based): chr13:32,380,030, G>C. VCF-style: chr13-32380030-G-C. GRCh37 (hg19) VCF-style: chr13-32954167-G-C.
Other names: short protein forms Q3047H.
Identifiers: ClinVar variation 630952 (VCV000630952.6), dbSNP rs1358886039, ClinGen allele CA387757863.

ClinVar aggregate classification (germline): Uncertain significance. Review status: criteria provided, multiple submitters, no conflicts (2 of 4 stars). 2 submissions from 2 submitters: Uncertain significance (2). Last evaluated 2023-09-08.

Conditions:
Hereditary breast ovarian cancer syndrome. Also called: Hereditary breast and ovarian cancer; Hereditary breast and ovarian cancer syndrome (HBOC); Breast and ovarian cancer; Hereditary breast and ovarian cancer syndrome; BRCA1- and BRCA2-Associated Hereditary Breast and Ovarian Cancer; Hereditary breast and/or ovarian cancer syndrome. Identifiers: Orphanet 145, MedGen C0677776, MeSH D061325, MONDO:0003582. Disease mechanism: loss of function.
Hereditary cancer-predisposing syndrome. Also called: Tumor predisposition; Neoplastic Syndromes, Hereditary; Hereditary neoplastic syndrome; Hereditary Cancer Syndrome. Identifiers: Orphanet 140162, MedGen C0027672, MeSH D009386, MONDO:0015356.

Allele frequency attached by ClinVar (database versions not stated): gnomAD exomes below 0.00001; TOPMed below 0.00001; gnomAD 0.00001.
gnomAD v4.1: 2 of 1,613,810 alleles (0.00012%); highest among the groups gnomAD compares: Admixed American, 0.0017%; no homozygotes.

Submissions (2):

Labcorp Genetics (formerly Invitae), Labcorp
Classification: Uncertain significance for Hereditary breast ovarian cancer syndrome. Last evaluated: 2023-09-08. Review status: criteria provided, single submitter. Criteria: Invitae Variant Classification Sherloc (09022015). Collection method: clinical testing. Allele origin: germline.
Comment: In summary, the available evidence is currently insufficient to determine the role of this variant in disease. Therefore, it has been classified as a Variant of Uncertain Significance. This sequence change replaces glutamine, which is neutral and polar, with histidine, which is basic and polar, at codon 3047 of the BRCA2 protein (p.Gln3047His). This variant is not present in population databases (gnomAD no frequency). This variant has not been reported in the literature in individuals affected with BRCA2-related conditions. ClinVar contains an entry for this variant (Variation ID: 630952). Advanced modeling of protein sequence and biophysical properties (such as structural, functional, and spatial information, amino acid conservation, physicochemical variation, residue mobility, and thermodynamic stability) performed at Invitae indicates that this missense variant is not expected to disrupt BRCA2 protein function. Algorithms developed to predict the effect of sequence changes on RNA splicing suggest that this variant may disrupt the consensus splice site.

Color Diagnostics, LLC DBA Color Health
Classification: Uncertain significance for Hereditary cancer-predisposing syndrome. Last evaluated: 2019-06-20. Review status: criteria provided, single submitter. Criteria: ACMG Guidelines, 2015. Collection method: clinical testing. Allele origin: germline.